The following is an entry in ClinVar:

ClinVar aggregate classification (germline): Uncertain significance (1 of 4 stars; one submission).

Conditions:
Mucopolysaccharidosis, MPS-II (MPS2). Also called: IDS deficiency; Sulfoiduronate sulfatase deficiency; SIDS deficiency; Mucopolysaccharidosis with skin involvement; Mucopolysaccharidosis type 2; Attenuated MPS (subtype; formerly known as mild MPS II). Identifiers: Orphanet 580, Orphanet 79388, MedGen C0026705, MONDO:0010674, OMIM 309900.

Submission:

Labcorp Genetics (formerly Invitae), Labcorp
Classification: Uncertain significance for Mucopolysaccharidosis, MPS-II. Last evaluated: 2025-06-29. Review status: criteria provided, single submitter. Criteria: Invitae Variant Classification Sherloc (09022015). Collection method: clinical testing. Allele origin: germline.
Comment: This sequence change falls in intron 2 of the IDS gene. It does not directly change the encoded amino acid sequence of the IDS protein. This variant is not present in population databases (gnomAD no frequency). This variant has not been reported in the literature in individuals affected with IDS-related conditions. ClinVar contains an entry for this variant (Variation ID: 2082565). Algorithms developed to predict the effect of sequence changes on RNA splicing suggest that this variant may create or strengthen a splice site. In summary, the available evidence is currently insufficient to determine the role of this variant in disease. Therefore, it has been classified as a Variant of Uncertain Significance.

NM_000202.8(IDS):c.241-4A>G

Gene: IDS (iduronate 2-sulfatase; minus strand). Cytogenetic location: Xq28.
Variant type: single nucleotide variant.
Coding change: c.241-4A>G on transcript NM_000202.8 (MANE Select); 4 bases into the intron before coding-DNA position 241, A replaced by G.
Molecular consequence: intron variant.
Genome position (GRCh38, 1-based): chrX:149,503,493, T>C on the plus strand (A>G on the coding strand, the complement: IDS is on the minus strand). VCF-style: chrX-149503493-T-C. GRCh37 (hg19) VCF-style: chrX-148585023-T-C.
Other names: c.15-48A>G (NM_001166550.4); c.241-4A>G (NM_006123.5).
Identifiers: ClinVar variation 2082565 (VCV002082565.2), dbSNP rs2089497765, ClinGen allele CA2465010906.